The following is an entry in ClinVar:

ClinVar aggregate classification (germline): Uncertain significance (1 of 4 stars; one submission).

Conditions:
5-Oxoprolinase deficiency (OPLAHD). Also called: 5-OXOPROLINURIA DUE TO 5-OXOPROLINASE DEFICIENCY. Identifiers: Orphanet 33572, MedGen C0268525, MONDO:0009825, OMIM 260005, HP:0040142.

Allele frequency attached by ClinVar (database versions not stated): gnomAD exomes below 0.00001 and 0.00001; gnomAD 0.00003; TOPMed 0.00005.

Submission:

Labcorp Genetics (formerly Invitae), Labcorp
Classification: Uncertain significance for 5-Oxoprolinase deficiency. Last evaluated: 2021-07-25. Review status: criteria provided, single submitter. Criteria: Invitae Variant Classification Sherloc (09022015). Collection method: clinical testing. Allele origin: germline.
Comment: In summary, the available evidence is currently insufficient to determine the role of this variant in disease. Therefore, it has been classified as a Variant of Uncertain Significance. Algorithms developed to predict the effect of missense changes on protein structure and function are either unavailable or do not agree on the potential impact of this missense change (SIFT: "Not Available"; PolyPhen-2: "Probably Damaging"; Align-GVGD: "Not Available"). This variant has not been reported in the literature in individuals affected with OPLAH-related conditions. This variant is not present in population databases (ExAC no frequency). This sequence change replaces cysteine with tryptophan at codon 558 of the OPLAH protein (p.Cys558Trp). The cysteine residue is highly conserved and there is a large physicochemical difference between cysteine and tryptophan.

NM_017570.5(OPLAH):c.1674T>G (p.Cys558Trp)

Gene: OPLAH (5-oxoprolinase, ATP-hydrolysing; minus strand). Cytogenetic location: 8q24.3.
Variant type: single nucleotide variant.
Coding change: c.1674T>G on transcript NM_017570.5 (MANE Select); coding-DNA position 1674, T replaced by G.
Protein change: p.Cys558Trp; replaces cysteine 558 with tryptophan.
Molecular consequence: missense variant.
Genome position (GRCh38, 1-based): chr8:144,056,980, A>C on the plus strand (T>G on the coding strand, the complement: OPLAH is on the minus strand). VCF-style: chr8-144056980-A-C. GRCh37 (hg19) VCF-style: chr8-145111883-A-C.
Other names: short protein forms C558W.
Identifiers: ClinVar variation 1374508 (VCV001374508.6), dbSNP rs1234462205, ClinGen allele CA372559276.